The following is an entry in ClinVar:

ClinVar aggregate classification (germline): Likely pathogenic. Review status: criteria provided, multiple submitters, no conflicts (2 of 4 stars). 2 submissions from 2 submitters: Likely pathogenic (2). Last evaluated 2024-07-29.

Conditions:
STAT3 gain of function. Identifiers: MedGen C4288261.
Hyper-IgE recurrent infection syndrome 1, autosomal dominant. Also called: Job's Syndrome; STAT3 Hyper IgE Syndrome; HYPER-IgE SYNDROME 1, AUTOSOMAL DOMINANT, WITH RECURRENT INFECTIONS; JOB SYNDROME; Hyper-IgE recurrent infection syndrome 1. Identifiers: Orphanet 2314, MedGen C2936739, MONDO:0007818, OMIM 147060.

Submissions (2):

Labcorp Genetics (formerly Invitae), Labcorp
Classification: Likely pathogenic for STAT3 gain of function; Hyper-IgE recurrent infection syndrome 1, autosomal dominant. Last evaluated: 2024-07-29. Review status: criteria provided, single submitter. Criteria: Invitae Variant Classification Sherloc (09022015). Collection method: clinical testing. Allele origin: germline.
Comment: This sequence change replaces glutamic acid, which is acidic and polar, with lysine, which is basic and polar, at codon 594 of the STAT3 protein (p.Glu594Lys). This variant is not present in population databases (gnomAD no frequency). This missense change has been observed in individual(s) with hyper-IgE syndrome (PMID: 31468318; Invitae). In at least one individual the variant was observed to be de novo. ClinVar contains an entry for this variant (Variation ID: 36789). Advanced modeling of protein sequence and biophysical properties (such as structural, functional, and spatial information, amino acid conservation, physicochemical variation, residue mobility, and thermodynamic stability) performed at Invitae indicates that this missense variant is expected to disrupt STAT3 protein function with a positive predictive value of 80%. In summary, the currently available evidence indicates that the variant is pathogenic, but additional data are needed to prove that conclusively. Therefore, this variant has been classified as Likely Pathogenic.

Women's Health and Genetics/Laboratory Corporation of America, LabCorp
Classification: Likely pathogenic for Hyper IgE Syndrome. Last evaluated: 2011-08-18. Review status: criteria provided, single submitter. Criteria: LabCorp Variant Classification Summary - May 2015. Collection method: curation, clinical testing. Allele origin: germline. Inheritance: autosomal unknown. Affected: yes.
ClinVar note: Converted during submission from likely pathogenic to Likely pathogenic.

Literature cited by the submitters: PubMed 31468318 (cited by Labcorp Genetics (formerly Invitae), Labcorp).

NM_139276.3(STAT3):c.1780G>A (p.Glu594Lys)

Gene: STAT3 (signal transducer and activator of transcription 3; minus strand). Cytogenetic location: 17q21.2.
Variant type: single nucleotide variant.
Coding change: c.1780G>A on transcript NM_139276.3 (MANE Select); coding-DNA position 1780, G replaced by A.
Protein change: p.Glu594Lys; replaces glutamic acid 594 with lysine.
Molecular consequence: missense variant.
Genome position (GRCh38, 1-based): chr17:42,323,112, C>T on the plus strand (G>A on the coding strand, the complement: STAT3 is on the minus strand). VCF-style: chr17-42323112-C-T. GRCh37 (hg19) VCF-style: chr17-40475130-C-T.
Other names: c.1780G>A, p.Glu594Lys (NM_001369514.1, NM_001369516.1, NM_001369517.1 and 9 more transcripts); c.1696G>A, p.Glu566Lys (NM_001384984.1); c.1702G>A, p.Glu568Lys (NM_001384985.1); c.1795G>A, p.Glu599Lys (NM_001384986.1, NM_001384990.1); c.1759G>A, p.Glu587Lys (NM_001384987.1); c.1684G>A, p.Glu562Lys (NM_001384989.1); c.1753G>A, p.Glu585Lys (NM_001384991.1); c.1720G>A, p.Glu574Lys (NM_001384992.1); short protein forms E594K, E562K, E566K, E568K, E574K, E585K, E587K, E599K.
Identifiers: ClinVar variation 36789 (VCV000036789.5), dbSNP rs193922720, ClinGen allele CA260543.
Genomic context (GRCh38, chr17:42,323,112, plus strand): 5'-TGCTTTCACTGAATCTTAGCAGGAAGGTGCCTGGAGGCTTAGTGCTCAAGATGGCCCGCT[C>T]CCGCTCCTTACTGATAAAGCCCATGATGTACCTGGAGCCAAGGAGGAGGAACAATGTTGT-3'
Protein context (NP_644805.1, residues 584-604): YIMGFISKER[Glu594Lys]RAILSTKPPG